The following is an entry in ClinVar:

ClinVar aggregate classification (germline): Conflicting classifications of pathogenicity. Review status: criteria provided, conflicting classifications (1 of 4 stars). 2 submissions from 2 submitters: Uncertain significance (1); Likely benign (1). Last evaluated 2026-01-01.

Conditions:
Primary ciliary dyskinesia 15. Also called: CILIARY DYSKINESIA, PRIMARY, 15, WITH OR WITHOUT SITUS INVERSUS. Identifiers: Orphanet 244, MedGen C3151137, MONDO:0013435, OMIM 613808.

Submissions (2):

CeGaT Center for Human Genetics Tuebingen
Classification: Likely benign. Last evaluated: 2026-01-01. Review status: criteria provided, single submitter. Criteria: CeGaT Center For Human Genetics Tuebingen Variant Classification Criteria Version 2. Collection method: clinical testing. Allele origin: germline. Affected: yes. Observed: 3 variant alleles.
Comment: CCDC40: BS1

Department of Pathology and Laboratory Medicine, Sinai Health System
Classification: Uncertain significance for primary ciliary dyskinesia 15. Last evaluated: 2023-02-24. Review status: criteria provided, single submitter. Criteria: ACMG Guidelines, 2015. Collection method: research. Allele origin: germline.

NM_017950.4(CCDC40):c.2832+513T>C

Gene: CCDC40 (coiled-coil domain 40 molecular ruler complex subunit; plus strand). Cytogenetic location: 17q25.3.
Variant type: single nucleotide variant.
Coding change: c.2832+513T>C on transcript NM_017950.4 (MANE Select); 513 bases into the intron after coding-DNA position 2832, T replaced by C.
Molecular consequence: intron variant. On other transcripts: stop lost (1).
Genome position (GRCh38, 1-based): chr17:80,090,397, T>C. VCF-style: chr17-80090397-T-C. GRCh37 (hg19) VCF-style: chr17-78064196-T-C.
Other names: c.3091T>C, p.Ter1031Arg (NM_001243342.2).
Identifiers: ClinVar variation 3779006 (VCV003779006.8).